The following is an entry in ClinVar:

ClinVar aggregate classification (germline): Benign/Likely benign. Review status: criteria provided, multiple submitters, no conflicts (2 of 4 stars). 4 submissions from 4 submitters: Benign (1); Likely benign (3). Last evaluated 2025-08-01.

Conditions:
Familial adenomatous polyposis 1 (FAP1). Also called: FAMILIAL ADENOMATOUS POLYPOSIS 1, ATTENUATED; POLYPOSIS, ADENOMATOUS INTESTINAL. Identifiers: MedGen C2713442, MONDO:0021056, OMIM 175100. Disease mechanism: loss of function.
Hereditary cancer-predisposing syndrome. Also called: Hereditary Cancer Syndrome; Tumor predisposition; Hereditary neoplastic syndrome; Neoplastic Syndromes, Hereditary. Identifiers: Orphanet 140162, MedGen C0027672, MeSH D009386, MONDO:0015356.

Submissions (4):

CeGaT Center for Human Genetics Tuebingen
Classification: Likely benign. Last evaluated: 2025-08-01. Review status: criteria provided, single submitter. Criteria: CeGaT Center For Human Genetics Tuebingen Variant Classification Criteria Version 2. Collection method: clinical testing. Allele origin: germline. Affected: yes. Observed: 1 variant allele.
Comment: APC: PM2:Supporting, BP4, BP7

Myriad Genetics, Inc.
Classification: Benign for Familial adenomatous polyposis 1. Last evaluated: 2024-04-09. Review status: criteria provided, single submitter. Criteria: Myriad Autosomal Dominant, Autosomal Recessive and X-Linked Classification Criteria (2023). Collection method: clinical testing. Allele origin: unknown.
Comment: This variant is considered benign. This variant is a silent/synonymous amino acid change and it is not expected to impact splicing.

Ambry Genetics
Classification: Likely benign for Hereditary cancer-predisposing syndrome. Last evaluated: 2024-03-06. Review status: criteria provided, single submitter. Criteria: Ambry Variant Classification Scheme 2023. Collection method: clinical testing. Allele origin: germline.

Labcorp Genetics (formerly Invitae), Labcorp
Classification: Likely benign for Familial adenomatous polyposis 1. Last evaluated: 2018-05-17. Review status: criteria provided, single submitter. Criteria: Invitae Variant Classification Sherloc (09022015). Collection method: clinical testing. Allele origin: germline.

NM_000038.6(APC):c.7404A>T (p.Ser2468=)

Gene: APC (APC regulator of Wnt signaling pathway; plus strand). Cytogenetic location: 5q22.2.
Variant type: single nucleotide variant.
Coding change: c.7404A>T on transcript NM_000038.6 (MANE Select); coding-DNA position 7404, A replaced by T.
Protein change: p.Ser2468=; no amino-acid change (serine 2468 retained).
Molecular consequence: synonymous variant.
Genome position (GRCh38, 1-based): chr5:112,842,998, A>T. VCF-style: chr5-112842998-A-T. GRCh37 (hg19) VCF-style: chr5-112178695-A-T.
Other names: c.7404A>T, p.Ser2468= (NM_001127510.3, NM_001354895.2); c.7350A>T, p.Ser2450= (NM_001127511.3); c.7458A>T, p.Ser2486= (NM_001354896.2); c.7434A>T, p.Ser2478= (NM_001354897.2); c.7329A>T, p.Ser2443= (NM_001354898.2); c.7320A>T, p.Ser2440= (NM_001354899.2); c.7281A>T, p.Ser2427= (NM_001354900.2); c.7227A>T, p.Ser2409= (NM_001354901.2); and 5 more.
Identifiers: ClinVar variation 760238 (VCV000760238.19), dbSNP rs863224287, ClinGen allele CA446210575.